The following is an entry in ClinVar:

ClinVar aggregate classification (germline): Pathogenic (1 of 4 stars; one submission).

Conditions:
Hereditary spastic paraplegia 15 (SPG15). Also called: SPASTIC PARAPLEGIA 15, AUTOSOMAL RECESSIVE; KJELLIN SYNDROME; SPASTIC PARAPLEGIA AND RETINAL DEGENERATION. Identifiers: Orphanet 100996, MedGen C1849128, MONDO:0010044, OMIM 270700.

Submission:

Myriad Genetics, Inc.
Classification: Pathogenic for Hereditary spastic paraplegia 15. Last evaluated: 2025-06-03. Review status: criteria provided, single submitter. Criteria: Myriad Autosomal Dominant, Autosomal Recessive and X-Linked Classification Criteria (2023). Collection method: clinical testing. Allele origin: unknown.
Comment: NM_015346.3(ZFYVE26):c.1766_1769dupTTCA(P591Sfs*8) is expected to be pathogenic in the context of spastic paraplegia type 15. This variant is predicted to lead to an abnormal or absent protein product due to the creation of a premature termination codon in ZFYVE26, a gene where loss-of-function variants are known to be pathogenic. Please note: this variant was assessed in the context of healthy population screening.

NM_015346.4(ZFYVE26):c.1766_1769dup (p.Pro591fs)

Gene: ZFYVE26 (zinc finger FYVE-type containing 26; minus strand). Cytogenetic location: 14q24.1.
Variant type: Duplication.
Coding change: c.1766_1769dup on transcript NM_015346.4 (MANE Select); coding-DNA positions 1766 to 1769, 4 bases duplicated (TTCA; older notation c.1766_1769dupTTCA).
Protein change: p.Pro591fs; shifts the reading frame from proline 591.
Molecular consequence: frameshift variant.
Genome position (GRCh38, 1-based): chr14:67,798,493-67,798,496, TGAA duplicated on the plus strand (TTCA on the coding strand, the reverse complement: ZFYVE26 is on the minus strand). VCF-style (leftmost placement, unchanged base first): chr14-67798492-G-GTGAA. GRCh37 (hg19) VCF-style: chr14-68265209-G-GTGAA.
Other names: short protein forms P591fs.
Identifiers: ClinVar variation 5014555 (VCV005014555.1).
Genomic context (GRCh38, chr14:67,798,492, plus strand): 5'-GGGGCTCTTCCCCTCAATGTCATCATCCTCAGCATAGTCCTCAGGCAAGTGAGGCTCTGG[G>GTGAA]TGAAGATCAGCAGAGGTGATGAGAAGCAATGAGAAGATGTTTTCCAGAAGCTCCAGGCAC-3'